The following is an entry in ClinVar:

ClinVar aggregate classification (germline): Pathogenic (1 of 4 stars; one submission).

Conditions:
KBG syndrome (KBGS). Also called: ANKRD11-Related KBG Syndrome. Identifiers: Orphanet 2332, MedGen C0220687, MONDO:0007846, OMIM 148050.

Submission:

Labcorp Genetics (formerly Invitae), Labcorp
Classification: Pathogenic for KBG syndrome. Last evaluated: 2022-08-19. Review status: criteria provided, single submitter. Criteria: Invitae Variant Classification Sherloc (09022015). Collection method: clinical testing. Allele origin: germline.
Comment: For these reasons, this variant has been classified as Pathogenic. This variant has not been reported in the literature in individuals affected with ANKRD11-related conditions. This sequence change creates a premature translational stop signal (p.Phe1202*) in the ANKRD11 gene. It is expected to result in an absent or disrupted protein product. Loss-of-function variants in ANKRD11 are known to be pathogenic (PMID: 21782149, 25125236, 25413698, 25652421). This variant is not present in population databases (gnomAD no frequency).

Literature cited by the submitters: PubMed 21782149; PubMed 25125236; PubMed 25413698; PubMed 25652421.

NM_013275.6(ANKRD11):c.3603_3604del (p.Val1201_Phe1202insTer)

Gene: ANKRD11 (ankyrin repeat domain 11; minus strand). Cytogenetic location: 16q24.3.
Variant type: Deletion.
Coding change: c.3603_3604del on transcript NM_013275.6 (MANE Select); coding-DNA positions 3603 to 3604, 2 bases deleted (CT; older notation c.3603_3604delCT).
Protein change: p.Val1201_Phe1202insTer.
Molecular consequence: frameshift variant.
Genome position (GRCh38, 1-based): chr16:89,282,938-89,282,939, AG deleted on the plus strand (CT on the coding strand, the reverse complement: ANKRD11 is on the minus strand); deleting any 2 consecutive bases within chr16:89,282,938-89,282,940 gives the same sequence; the c. name uses the placement nearest the transcript's 3' end. VCF-style (leftmost placement, unchanged base first): chr16-89282937-AAG-A. GRCh37 (hg19) VCF-style: chr16-89349345-AAG-A.
Other names: c.3603_3604del, p.Val1201_Phe1202insTer (NM_001256182.2, NM_001256183.2).
Identifiers: ClinVar variation 2024785 (VCV002024785.4), dbSNP rs2544236736, ClinGen allele CA2580092280.
Genomic context (GRCh38, chr16:89,282,937, plus strand): 5'-TCCTTCCTGTCCTTGTACTTTTCTGTGGACTCTTTATCCTTCTTCTCCTTGTGCTTTTCA[AAG>A]ACTTTCTCTTTTTTGTCTCTCCCCGCGTCGGCAGCCCCTCGGTCCTTTCTCCTGTCTCTG-3'